The following is an entry in ClinVar:

ClinVar aggregate classification (germline): Uncertain significance. Review status: criteria provided, multiple submitters, no conflicts (2 of 4 stars). 3 submissions from 3 submitters: Uncertain significance (3). Last evaluated 2024-03-04.

Conditions:
Progressive microcephaly-seizures-cortical blindness-developmental delay syndrome. Also called: Seizures, cortical blindness, and microcephaly syndrome. Identifiers: Orphanet 477814, MedGen C5567650, MONDO:0014714, OMIM 616632.

Submissions (3):

ARUP Laboratories, Molecular Genetics and Genomics, ARUP Laboratories
Classification: Uncertain significance. Last evaluated: 2024-03-04. Review status: criteria provided, single submitter. Criteria: ARUP Molecular Germline Variant Investigation Process 2024. Collection method: clinical testing. Allele origin: germline.

GeneDx
Classification: Uncertain significance. Last evaluated: 2022-12-28. Review status: criteria provided, single submitter. Criteria: GeneDx Variant Classification Process June 2021. Collection method: clinical testing. Allele origin: germline. Affected: yes.
Comment: Not observed at significant frequency in large population cohorts (gnomAD); In silico analysis supports that this missense variant does not alter protein structure/function; Has not been previously published as pathogenic or benign to our knowledge

Department of Pathology and Laboratory Medicine, Sinai Health System
Classification: Uncertain significance for progressive microcephaly-seizures-cortical blindness-developmental delay syndrome. Last evaluated: 2022-05-26. Review status: criteria provided, single submitter. Criteria: ACMG Guidelines, 2015. Collection method: research. Allele origin: germline.

NM_005219.5(DIAPH1):c.1155G>A (p.Met385Ile)

Gene: DIAPH1 (diaphanous related formin 1; minus strand). Cytogenetic location: 5q31.3.
Variant type: single nucleotide variant.
Coding change: c.1155G>A on transcript NM_005219.5 (MANE Select); coding-DNA position 1155, G replaced by A.
Protein change: p.Met385Ile; replaces methionine 385 with isoleucine.
Molecular consequence: missense variant.
Genome position (GRCh38, 1-based): chr5:141,578,233, C>T on the plus strand (G>A on the coding strand, the complement: DIAPH1 is on the minus strand). VCF-style: chr5-141578233-C-T. GRCh37 (hg19) VCF-style: chr5-140957800-C-T.
Other names: c.1128G>A, p.Met376Ile (NM_001079812.3); c.1155G>A, p.Met385Ile (NM_001314007.2); short protein forms M376I, M385I.
Identifiers: ClinVar variation 2507261 (VCV002507261.3), dbSNP rs2513757519, ClinGen allele CA361530953.